The following is an entry in ClinVar:

NM_012335.4(MYO1F):c.942C>T (p.Ser314=)

Gene: MYO1F (myosin IF; minus strand). Cytogenetic location: 19p13.2.
Variant type: single nucleotide variant.
Coding change: c.942C>T on transcript NM_012335.4 (MANE Select); coding-DNA position 942, C replaced by T.
Protein change: p.Ser314=; no amino-acid change (serine 314 retained).
Molecular consequence: synonymous variant.
Genome position (GRCh38, 1-based): chr19:8,550,319, G>A on the plus strand (C>T on the coding strand, the complement: MYO1F is on the minus strand). VCF-style: chr19-8550319-G-A. GRCh37 (hg19) VCF-style: chr19-8615203-G-A.
Other names: c.930C>T, p.Ser310= (NM_001348355.2).
Identifiers: ClinVar variation 3039168 (VCV003039168.2), dbSNP rs187824097, ClinGen allele CA9159474.

ClinVar aggregate classification (germline): Likely benign (0 of 4 stars; one submission).

Conditions:
MYO1F-related disorder. Also called: MYO1F-related condition.

Allele frequency attached by ClinVar (database versions not stated): gnomAD 0.00013; TOPMed 0.00014; ExAC 0.00025; 1000 Genomes Project 0.00060; 1000 Genomes Project 30x 0.00078.
gnomAD v4.1: 125 of 1,613,568 alleles (0.0077%); highest among the groups gnomAD compares: East Asian, 0.15%; no homozygotes.

Submission:

PreventionGenetics, part of Exact Sciences
Classification: Likely benign for MYO1F-related condition. Last evaluated: 2019-05-24. Review status: no assertion criteria provided. Collection method: clinical testing. Allele origin: germline.
Comment: This variant is classified as likely benign based on ACMG/AMP sequence variant interpretation guidelines (Richards et al. 2015 PMID: 25741868, with internal and published modifications).